The following is an entry in ClinVar:

ClinVar aggregate classification (germline): Uncertain significance (1 of 4 stars; one submission).

Conditions:
CEP164-related disorder. Also called: CEP164-related condition.

gnomAD v4.1: 1 of 1,614,046 alleles (0.000062%); highest among the groups gnomAD compares: East Asian, 0.0022%; no homozygotes.

Submission:

PreventionGenetics, part of Exact Sciences
Classification: Uncertain significance for CEP164-related condition. Last evaluated: 2026-06-09. Review status: criteria provided, single submitter. Criteria: ACMG Guidelines, 2015. Collection method: clinical testing. Allele origin: germline.
Comment: The CEP164 c.2179G>A variant is predicted to result in the amino acid substitution p.Glu727Lys. To our knowledge, this variant has not been reported in the literature or in a large population database (gnomAD), indicating this variant is rare. At this time, the clinical significance of this variant is uncertain due to the absence of conclusive functional and genetic evidence.

NM_014956.5(CEP164):c.2179G>A (p.Glu727Lys)

Gene: CEP164 (centrosomal protein 164; plus strand). Cytogenetic location: 11q23.3.
Variant type: single nucleotide variant.
Coding change: c.2179G>A on transcript NM_014956.5 (MANE Select); coding-DNA position 2179, G replaced by A.
Protein change: p.Glu727Lys; replaces glutamic acid 727 with lysine.
Molecular consequence: missense variant.
Genome position (GRCh38, 1-based): chr11:117,391,111, G>A. VCF-style: chr11-117391111-G-A. GRCh37 (hg19) VCF-style: chr11-117261827-G-A.
Other names: c.2188G>A, p.Glu730Lys (NM_001271933.2, NM_001440949.1); c.2179G>A, p.Glu727Lys (NM_001440950.1, NM_001440951.1, NM_001440953.1); c.2014G>A, p.Glu672Lys (NM_001440952.1, NM_001440968.1, NM_001440969.1); c.2101G>A, p.Glu701Lys (NM_001440954.1, NM_001440955.1, NM_001440958.1 and 1 more transcripts); c.2092G>A, p.Glu698Lys (NM_001440956.1, NM_001440957.1); c.2050G>A, p.Glu684Lys (NM_001440960.1); c.2041G>A, p.Glu681Lys (NM_001440961.1, NM_001440967.1); c.2032G>A, p.Glu678Lys (NM_001440962.1, NM_001440963.1, NM_001440964.1 and 4 more transcripts); and 7 more; short protein forms E608K, E672K, E678K, E701K, E730K, E631K, E657K, E727K.
Identifiers: ClinVar variation 4993475 (VCV004993475.1).
Genomic context (GRCh38, chr11:117,391,111, plus strand): 5'-CAGAAGGCTGAGAGGGCCAGCTTGGAACAGAAAAATAGGCAAATGCTGGAGCAGCTCAAG[G>A]AAGAGATAGAGGCTTCGGAGAAGAGCGAGCAGGCTGCCCTGAATGCTGCAAAGGAGAAGG-3'
Protein context (NP_055771.4, residues 717-737): KNRQMLEQLK[Glu727Lys]EIEASEKSEQ